The following is an entry in ClinVar:

NM_001277313.2(FMN1):c.1381G>A (p.Gly461Arg)

Gene: FMN1 (formin 1; minus strand). Cytogenetic location: 15q13.3.
Variant type: single nucleotide variant.
Coding change: c.1381G>A on transcript NM_001277313.2 (MANE Select); coding-DNA position 1381, G replaced by A.
Protein change: p.Gly461Arg; replaces glycine 461 with arginine.
Molecular consequence: missense variant.
Genome position (GRCh38, 1-based): chr15:33,153,534, C>T on the plus strand (G>A on the coding strand, the complement: FMN1 is on the minus strand). VCF-style: chr15-33153534-C-T. GRCh37 (hg19) VCF-style: chr15-33445735-C-T.
Other names: c.1381G>A, p.Gly461Arg (NM_001277314.2); short protein forms G461R.
Identifiers: ClinVar variation 4803519 (VCV004803519.1).

ClinVar aggregate classification (germline): Uncertain significance (1 of 4 stars; one submission).

Submission:

Labcorp Genetics (formerly Invitae), Labcorp
Classification: Uncertain significance. Last evaluated: 2025-11-18. Review status: criteria provided, single submitter. Criteria: Invitae Variant Classification Sherloc (09022015). Collection method: clinical testing. Allele origin: germline.
Comment: The FMN1 gene has multiple clinically relevant transcripts. This variant occurs in alternate transcript NM_001277314.1, and corresponds to NM_001103184.3:c.-85650G>A in the primary transcript. This sequence change replaces glycine, which is neutral and non-polar, with arginine, which is basic and polar, at codon 461 of the FMN1 protein (p.Gly461Arg). This variant is present in population databases (rs534379950, gnomAD 0.1%), and has an allele count higher than expected for a pathogenic variant. This variant has not been reported in the literature in individuals affected with FMN1-related conditions. Experimental studies and prediction algorithms are not available or were not evaluated, and the functional significance of this variant is currently unknown. In summary, the available evidence is currently insufficient to determine the role of this variant in disease. Therefore, it has been classified as a Variant of Uncertain Significance.